The following is an entry in ClinVar:

ClinVar aggregate classification (germline): Pathogenic (1 of 4 stars; one submission).

Conditions:
Familial cancer of breast. Also called: Hereditary breast cancer; BREAST CANCER, FAMILIAL; hereditary breast carcinoma. Identifiers: Orphanet 227535, MedGen C0346153, MONDO:0016419, OMIM 114480. Disease mechanism: loss of function.

Submission:

Labcorp Genetics (formerly Invitae), Labcorp
Classification: Pathogenic for Familial cancer of breast. Last evaluated: 2022-07-21. Review status: criteria provided, single submitter. Criteria: Invitae Variant Classification Sherloc (09022015). Collection method: clinical testing. Allele origin: germline.
Comment: This sequence change creates a premature translational stop signal (p.Lys245Serfs*26) in the CHEK2 gene. It is expected to result in an absent or disrupted protein product. Loss-of-function variants in CHEK2 are known to be pathogenic (PMID: 21876083, 24713400). This variant is not present in population databases (gnomAD no frequency). This variant has not been reported in the literature in individuals affected with CHEK2-related conditions. For these reasons, this variant has been classified as Pathogenic.

Literature cited by the submitters: PubMed 21876083; PubMed 24713400.

NM_007194.4(CHEK2):c.732_733del (p.Lys245fs)

Gene: CHEK2 (checkpoint kinase 2; minus strand). Cytogenetic location: 22q12.1.
Variant type: Deletion.
Coding change: c.732_733del on transcript NM_007194.4 (MANE Select); coding-DNA positions 732 to 733, 2 bases deleted (GA; older notation c.732_733delGA).
Protein change: p.Lys245fs; shifts the reading frame from lysine 245.
Molecular consequence: frameshift variant.
Genome position (GRCh38, 1-based): chr22:28,711,968-28,711,969, TC deleted on the plus strand (GA on the coding strand, the reverse complement: CHEK2 is on the minus strand); deleting any 2 consecutive bases within chr22:28,711,968-28,711,970 gives the same sequence; the c. name uses the placement nearest the transcript's 3' end. VCF-style (leftmost placement, unchanged base first): chr22-28711967-TTC-T. GRCh37 (hg19) VCF-style: chr22-29107955-TTC-T.
Other names: c.860_861delAG, p.Lys288Serfs (NM_001005735.3); c.68_69delAG, p.Lys24Serfs (NM_001257387.3); c.530_531delAG, p.Lys178Serfs (NM_001349956.3); c.731_732delAG, p.Lys245Serfs (NM_145862.3); short protein forms K178fs, K24fs, K245fs, K288fs.
Identifiers: ClinVar variation 2018474 (VCV002018474.4), dbSNP rs2517961881, ClinGen allele CA2580099684.